The following is an entry in ClinVar:

ClinVar aggregate classification (germline): Uncertain significance. Review status: criteria provided, multiple submitters, no conflicts (2 of 4 stars). 2 submissions from 2 submitters: Uncertain significance (2). Last evaluated 2025-12-02.

Conditions:
Cardiovascular phenotype. Identifiers: MedGen CN230736.

gnomAD v4.1: 15 of 1,604,532 alleles (0.00093%); highest among the groups gnomAD compares: Non-Finnish European, 0.001%; no homozygotes.

Submissions (2):

Ambry Genetics
Classification: Uncertain significance for Cardiovascular phenotype. Last evaluated: 2025-12-02. Review status: criteria provided, single submitter. Criteria: Ambry Variant Classification Scheme 2023. Collection method: clinical testing. Allele origin: germline.

GeneDx
Classification: Uncertain significance. Last evaluated: 2020-12-15. Review status: criteria provided, single submitter. Criteria: GeneDx Variant Classification Process June 2021. Collection method: clinical testing. Allele origin: germline. Affected: yes.
Comment: Has not been previously published as pathogenic or benign to our knowledge; Not observed in large population cohorts (Lek et al., 2016); In silico analysis supports that this missense variant has a deleterious effect on protein structure/function

NM_001365276.2(TNXB):c.5536G>A (p.Gly1846Arg)

Gene: TNXB (tenascin XB; minus strand). Cytogenetic location: 6p21.33.
Variant type: single nucleotide variant.
Coding change: c.5536G>A on transcript NM_001365276.2 (MANE Select); coding-DNA position 5536, G replaced by A.
Protein change: p.Gly1846Arg; replaces glycine 1846 with arginine.
Molecular consequence: missense variant.
Genome position (GRCh38, 1-based): chr6:32,069,604, C>T on the plus strand (G>A on the coding strand, the complement: TNXB is on the minus strand). VCF-style: chr6-32069604-C-T. GRCh37 (hg19) VCF-style: chr6-32037381-C-T.
Other names: c.5536G>A, p.Gly1846Arg (NM_019105.8); short protein forms G1846R.
Identifiers: ClinVar variation 1313727 (VCV001313727.3), dbSNP rs755081622, ClinGen allele CA363411505.